The following is an entry in ClinVar:

NM_014391.3(ANKRD1):c.573C>A (p.His191Gln)

Gene: ANKRD1 (ankyrin repeat domain 1; minus strand). Cytogenetic location: 10q23.31.
Variant type: single nucleotide variant.
Coding change: c.573C>A on transcript NM_014391.3 (MANE Select); coding-DNA position 573, C replaced by A.
Protein change: p.His191Gln; replaces histidine 191 with glutamine.
Molecular consequence: missense variant.
Genome position (GRCh38, 1-based): chr10:90,916,249, G>T on the plus strand (C>A on the coding strand, the complement: ANKRD1 is on the minus strand). VCF-style: chr10-90916249-G-T. GRCh37 (hg19) VCF-style: chr10-92676006-G-T.
Other names: short protein forms H191Q.
Identifiers: ClinVar variation 3296220 (VCV003296220.1).

ClinVar aggregate classification (germline): Uncertain significance (1 of 4 stars; one submission).

Conditions:
Cardiovascular phenotype. Identifiers: MedGen CN230736.

Submission:

Ambry Genetics
Classification: Uncertain significance for Cardiovascular phenotype. Last evaluated: 2024-05-21. Review status: criteria provided, single submitter. Criteria: Ambry Variant Classification Scheme 2023. Collection method: clinical testing. Allele origin: germline.
Comment: The p.H191Q variant (also known as c.573C>A), located in coding exon 6 of the ANKRD1 gene, results from a C to A substitution at nucleotide position 573. The histidine at codon 191 is replaced by glutamine, an amino acid with highly similar properties. This amino acid position is conserved. In addition, this alteration is predicted to be deleterious by in silico analysis. Based on the available evidence, the clinical significance of this variant remains unclear.